The following is an entry in ClinVar:

NM_001377540.1(SLMAP):c.1693C>G (p.Leu565Val)

Gene: SLMAP (sarcolemma associated protein; plus strand). Cytogenetic location: 3p14.3.
Variant type: single nucleotide variant.
Coding change: c.1693C>G on transcript NM_001377540.1 (MANE Select); coding-DNA position 1693, C replaced by G.
Protein change: p.Leu565Val; replaces leucine 565 with valine.
Molecular consequence: missense variant. On other transcripts: non-coding transcript variant (1), intron variant (1).
Genome position (GRCh38, 1-based): chr3:57,909,144, C>G. VCF-style: chr3-57909144-C-G. GRCh37 (hg19) VCF-style: chr3-57894871-C-G.
Other names: c.1642C>G, p.Leu548Val (NM_001304420.3, NM_001377541.1, NM_001377542.1); c.1528C>G, p.Leu510Val (NM_001304421.2, NM_001377557.1, NM_001377559.1); c.244C>G, p.Leu82Val (NM_001304422.3, NM_001311178.2); c.121C>G, p.Leu41Val (NM_001311179.2, NM_001377926.1, NM_001377927.1 and 1 more transcripts); c.1714C>G, p.Leu572Val (NM_001377538.1); c.1693C>G, p.Leu565Val (NM_001377539.1); c.1630C>G, p.Leu544Val (NM_001377545.1); c.1456C>G, p.Leu486Val (NM_001377924.1); and 8 more; short protein forms L41V, L503V, L507V, L486V, L524V, L572V, L82V, L490V.
Identifiers: ClinVar variation 2735572 (VCV002735572.3), dbSNP rs1443973202, ClinGen allele CA353407429.

ClinVar aggregate classification (germline): Uncertain significance (1 of 4 stars; one submission).

Conditions:
Brugada syndrome. Also called: Sudden unexplained nocturnal death syndrome; Sudden Unexplained Death Syndrome; Sudden Unexplained Nocturnal Death Syndrome (SUNDS); Sudden unexpected nocturnal death syndrome. Identifiers: Orphanet 130, MedGen C1142166, MONDO:0015263.

Submission:

Labcorp Genetics (formerly Invitae), Labcorp
Classification: Uncertain significance for Brugada syndrome. Last evaluated: 2023-12-11. Review status: criteria provided, single submitter. Criteria: Invitae Variant Classification Sherloc (09022015). Collection method: clinical testing. Allele origin: germline.
Comment: This sequence change replaces leucine, which is neutral and non-polar, with valine, which is neutral and non-polar, at codon 531 of the SLMAP protein (p.Leu531Val). This variant is not present in population databases (gnomAD no frequency). This variant has not been reported in the literature in individuals affected with SLMAP-related conditions. An algorithm developed to predict the effect of missense changes on protein structure and function (PolyPhen-2) suggests that this variant is likely to be disruptive. In summary, the available evidence is currently insufficient to determine the role of this variant in disease. Therefore, it has been classified as a Variant of Uncertain Significance.